The following is an entry in ClinVar:

ClinVar aggregate classification (germline): Benign. Review status: reviewed by expert panel (3 of 4 stars). 17 submissions from 17 submitters: Benign (1). 16 of the submissions do not count toward it. Last evaluated 2015-08-10.

Conditions:
Breast and/or ovarian cancer. Identifiers: MedGen CN221562.
Breast-ovarian cancer, familial, susceptibility to, 1 (BROVCA1). Also called: BRCA1 Hereditary Breast and Ovarian Cancer; OVARIAN CANCER, SUSCEPTIBILITY TO. Identifiers: Orphanet 145, MedGen C2676676, MONDO:0011450, OMIM 604370. Disease mechanism: loss of function.
Hereditary cancer-predisposing syndrome. Also called: Hereditary Cancer Syndrome; Hereditary neoplastic syndrome; Neoplastic Syndromes, Hereditary; Tumor predisposition. Identifiers: Orphanet 140162, MedGen C0027672, MeSH D009386, MONDO:0015356.
Hereditary breast ovarian cancer syndrome. Also called: BRCA1- and BRCA2-Associated Hereditary Breast and Ovarian Cancer; Hereditary breast and ovarian cancer syndrome; Hereditary breast and ovarian cancer syndrome (HBOC); Breast and ovarian cancer; Hereditary breast and/or ovarian cancer syndrome; Hereditary breast and ovarian cancer. Identifiers: Orphanet 145, MedGen C0677776, MeSH D061325, MONDO:0003582. Disease mechanism: loss of function.

Allele frequency attached by ClinVar (database versions not stated): gnomAD exomes 0.00019 and 0.00006; ExAC 0.00021; 1000 Genomes Project 0.00040; gnomAD 0.00059 and 0.00065; TOPMed 0.00071; 1000 Genomes Project 30x 0.00047; ESP Exome Variant Server 0.00054.
gnomAD v4.1: 178 of 1,614,124 alleles (0.011%); highest among the groups gnomAD compares: African/African-American, 0.21%; no homozygotes.

Submissions (17):

Evidence-based Network for the Interpretation of Germline Mutant Alleles (ENIGMA)
Classification: Benign for Breast-ovarian cancer, familial 1. Last evaluated: 2015-08-10. Review status: reviewed by expert panel. Criteria: ENIGMA BRCA1/2 Classification Criteria (2015). Collection method: curation. Allele origin: germline.
Comment: IARC class based on posterior probability from multifactorial likelihood analysis, thresholds for class as per Plon et al. 2008 (PMID: 18951446). Class 1 based on posterior probability = 0.0000000000703

Labcorp Genetics (formerly Invitae), Labcorp
Classification: Benign for Hereditary breast ovarian cancer syndrome. Last evaluated: 2026-02-04. Review status: criteria provided, single submitter. Criteria: Invitae Variant Classification Sherloc (09022015). Collection method: clinical testing. Allele origin: germline. Not counted in ClinVar's aggregate classification.

Dasa
Classification: Benign for Breast-ovarian cancer, familial, susceptibility to, 1. Last evaluated: 2025-12-03. Review status: criteria provided, single submitter. Criteria: DASA Assertion Criteria. Collection method: clinical testing. Allele origin: germline. Not counted in ClinVar's aggregate classification.
Comment: NM_007294.4(BRCA1):c.4840C>T (p.Pro1614Ser) is a missense variant that results in the substitution of proline with serine. Population frequency is inconsistent with a disease-causing role for this variant, and functional evidence is consistent with no deleterious impact on the gene or gene product. Therefore, based on the currently available evidence, this variant is classified as benign.

Molecular Diagnostics Laboratory, Catalan Institute of Oncology
Classification: Benign for Hereditary cancer-predisposing syndrome. Last evaluated: 2024-12-09. Review status: criteria provided, single submitter. Criteria: ClinGen BRCA1BRCA2 ACMG Specifications BRCA1 V1.0.0. Collection method: clinical testing. Allele origin: germline. Not counted in ClinVar's aggregate classification.
Comment: BS1, BS3, BP1_Strong, BP5_VeryStrong c.4840C>T, located in exon 15 (16 according BIC nomenclature) of the BRCA1 gene, is predicted to result in the substitution of proline by serine at codon 1614, p.(Pro1614Ser). This position is outside a (potentially) clinically important functional domain and, moreover, the SpliceAI algorithm predicts no significant impact on splicing (BP1_Strong).The variant allele was found in 65/ 23616 alleles, with a filter allele frequency of 0.18% at 99% confidence, within the African population in the gnomAD v2.1.1 database (non-cancer data set) (BS1). Reported by one calibrated study to affect protein function similar to benign control variants (PMID:30765603) (BS3). The combined LR against pathogenicity, based on multifactorial likelihood clinical data, is 0,000223977 (BP5_VeryStrong) This variant has been reported in the ClinVar database (8x benign, 4x likely benign), and in the LOVD (7x benign, 1x uncertain significance) and in BRCA Exchange database (classified as benign). Based on currently available information, the variant c.4840C>T should be considered a benign variant, according to ClinGen ENIGMA BRCA1 and BRCA2 Expert Panel Specifications to the ACMG/AMP Variant Interpretation Guidelines for BRCA1 Version 1.0.0

Department of Pathology and Laboratory Medicine, Sinai Health System
Classification: Benign for Hereditary breast ovarian cancer syndrome. Last evaluated: 2024-11-29. Review status: criteria provided, single submitter. Criteria: ACMG Guidelines, 2015. Collection method: clinical testing. Allele origin: germline. Affected: yes. Not counted in ClinVar's aggregate classification.

Blueprint Genetics
Classification: Likely benign. Last evaluated: 2023-09-13. Review status: criteria provided, single submitter. Criteria: ACMG Guidelines, 2015. Collection method: clinical testing. Allele origin: germline. Not counted in ClinVar's aggregate classification.

CHEO Genetics Diagnostic Laboratory, Children's Hospital of Eastern Ontario
Classification: Likely benign for Breast and/or ovarian cancer. Last evaluated: 2022-08-08. Review status: criteria provided, single submitter. Criteria: ACMG Guidelines, 2015. Collection method: clinical testing. Allele origin: germline. Not counted in ClinVar's aggregate classification.

National Health Laboratory Service, Universitas Academic Hospital and University of the Free State
Classification: Likely benign for Hereditary breast ovarian cancer syndrome. Last evaluated: 2022-04-19. Review status: criteria provided, single submitter. Criteria: ACMG Guidelines, 2015. Collection method: clinical testing. Allele origin: germline. Affected: yes. Observed: 5 variant alleles. Not counted in ClinVar's aggregate classification.

Genetics Program, Instituto Nacional de Cancer
Classification: Likely benign for Hereditary breast ovarian cancer syndrome. Last evaluated: 2021-11-01. Review status: criteria provided, single submitter. Criteria: ACMG Guidelines, 2015. Collection method: research. Allele origin: germline. Affected: yes. Not counted in ClinVar's aggregate classification.

Sema4
Classification: Benign for Hereditary cancer-predisposing syndrome. Last evaluated: 2021-04-08. Review status: criteria provided, single submitter. Criteria: Sema4 Curation Guidelines. Collection method: curation. Allele origin: germline. Not counted in ClinVar's aggregate classification.

ARUP Laboratories, Molecular Genetics and Genomics, ARUP Laboratories
Classification: Benign. Last evaluated: 2021-03-24. Review status: criteria provided, single submitter. Criteria: ARUP Molecular Germline Variant Investigation Process 2021. Collection method: clinical testing. Allele origin: germline. Not counted in ClinVar's aggregate classification.

Genetic Services Laboratory, University of Chicago
Classification: Likely benign. Last evaluated: 2020-08-17. Review status: criteria provided, single submitter. Criteria: ACMG Guidelines, 2015. Collection method: clinical testing. Allele origin: germline. Affected: no. Not counted in ClinVar's aggregate classification.

PreventionGenetics, part of Exact Sciences
Classification: Benign. Last evaluated: 2016-11-22. Review status: criteria provided, single submitter. Criteria: ACMG Guidelines, 2015. Collection method: clinical testing. Allele origin: germline. Not counted in ClinVar's aggregate classification.

Color Diagnostics, LLC DBA Color Health
Classification: Benign for Hereditary cancer-predisposing syndrome. Last evaluated: 2015-12-08. Review status: criteria provided, single submitter. Criteria: ACMG Guidelines, 2015. Collection method: clinical testing. Allele origin: germline. Not counted in ClinVar's aggregate classification.

Ambry Genetics
Classification: Benign for Hereditary cancer-predisposing syndrome. Last evaluated: 2014-11-18. Review status: criteria provided, single submitter. Criteria: Ambry Variant Classification Scheme 2023. Collection method: clinical testing. Allele origin: germline. Not counted in ClinVar's aggregate classification.

GeneDx
Classification: Benign. Last evaluated: 2014-08-04. Review status: criteria provided, single submitter. Criteria: GeneDx Variant Classification (06012015). Collection method: clinical testing. Allele origin: germline. Affected: yes. Not counted in ClinVar's aggregate classification.
Comment: This variant is considered likely benign or benign based on one or more of the following criteria: it is a conservative change, it occurs at a poorly conserved position in the protein, it is predicted to be benign by multiple in silico algorithms, and/or has population frequency not consistent with disease.

Breast Cancer Information Core (BIC) (BRCA1)
Classification: Benign for Breast-ovarian cancer, familial 1. Last evaluated: 2004-02-20. Review status: no assertion criteria provided. Collection method: clinical testing. Allele origin: germline. Affected: yes. Observed: 14 variant alleles. Not counted in ClinVar's aggregate classification.

Literature cited by the submitters: PubMed 21990134 (cited by Evidence-based Network for the Interpretation of Germline Mutant Alleles (ENIGMA) and Department of Pathology and Laboratory Medicine, Sinai Health System); PubMed 36329109 (cited by Department of Pathology and Laboratory Medicine, Sinai Health System and Genetics Program, Instituto Nacional de Cancer); PubMed 30765603 (cited by Department of Pathology and Laboratory Medicine, Sinai Health System); PubMed 33471991 (cited by Department of Pathology and Laboratory Medicine, Sinai Health System); PubMed 17924331 (cited by Department of Pathology and Laboratory Medicine, Sinai Health System); DOI 10.3389/fgene.2022.834265 (cited by National Health Laboratory Service, Universitas Academic Hospital and University of the Free State).

NM_007294.4(BRCA1):c.4840C>T (p.Pro1614Ser)

Gene: BRCA1 (BRCA1 DNA repair associated; minus strand). Cytogenetic location: 17q21.31.
Variant type: single nucleotide variant.
Coding change: c.4840C>T on transcript NM_007294.4 (MANE Select); coding-DNA position 4840, C replaced by T.
Protein change: p.Pro1614Ser; replaces proline 1614 with serine.
Molecular consequence: missense variant. On other transcripts: non-coding transcript variant (1).
Genome position (GRCh38, 1-based): chr17:43,071,074, G>A on the plus strand (C>T on the coding strand, the complement: BRCA1 is on the minus strand). VCF-style: chr17-43071074-G-A. GRCh37 (hg19) VCF-style: chr17-41223091-G-A.
Other names: p.P1614S:CCA>TCA; 4959C>T; NP_009225.1:p.Pro1614Ser; c.1519C>T, p.Pro507Ser (NM_001408409.1); c.1456C>T, p.Pro486Ser (NM_001408410.1); c.1453C>T, p.Pro485Ser (NM_001408411.1); c.1450C>T, p.Pro484Ser (NM_001408412.1, NM_001408413.1, NM_001408414.1 and 2 more transcripts); c.1411C>T, p.Pro471Ser (NM_001408423.1, NM_001408424.1, NM_001408421.1 and 1 more transcripts); and 73 more; short protein forms P1614S, P1635S, P1567S, P510S, P1318S, P1460S, P1524S, P1526S.
Identifiers: ClinVar variation 55301 (VCV000055301.79), dbSNP rs70953660, ClinGen allele CA003048.